The following is an entry in ClinVar:

ClinVar aggregate classification (germline): Likely pathogenic (1 of 4 stars; one submission).

Conditions:
Leber congenital amaurosis (LCA). Also called: Leber's amaurosis. Identifiers: Orphanet 65, MedGen C0339527, MeSH D057130, MONDO:0018998.

Submission:

Natera, Inc.
Classification: Likely pathogenic for Leber congenital amaurosis. Last evaluated: 2025-03-07. Review status: criteria provided, single submitter. Criteria: Natera Variant Classification Schema (03/2026). Collection method: clinical testing. Allele origin: germline.
Comment: The c.5710-1_5710delinsAC variant in CEP290 is a canonical splice acceptor site variant predicted to affect pre-mRNA splicing, which may result in an abnormal transcript and altered protein product. This variant is expected to result in nonsense mediated decay, truncation, or a dysfunctional protein product. This variant is rare in the general population with a frequency below the threshold expected for the associated phenotype(s). Given the available evidence, this variant is classified as Likely Pathogenic.

NM_025114.4(CEP290):c.5710-1_5710delinsAC

Gene: CEP290 (centrosomal protein 290; minus strand). Cytogenetic location: 12q21.32.
Variant type: Indel.
Coding change: c.5710-1_5710delinsAC on transcript NM_025114.4 (MANE Select); the canonical splice acceptor site of the intron before coding-DNA position 5710 through coding-DNA position 5710, GA replaced by AC.
Molecular consequence: splice acceptor variant.
Genome position (GRCh38, 1-based): chr12:88,071,926-88,071,927, TC replaced by GT on the plus strand (GA replaced by AC on the coding strand, the reverse complement: CEP290 is on the minus strand). VCF-style: chr12-88071926-TC-GT. GRCh37 (hg19) VCF-style: chr12-88465703-TC-GT.
Identifiers: ClinVar variation 4816229 (VCV004816229.1).